The following is an entry in ClinVar:

ClinVar aggregate classification (germline): Uncertain significance (1 of 4 stars; one submission).

Submission:

Labcorp Genetics (formerly Invitae), Labcorp
Classification: Uncertain significance. Last evaluated: 2024-10-24. Review status: criteria provided, single submitter. Criteria: Invitae Variant Classification Sherloc (09022015). Collection method: clinical testing. Allele origin: germline.
Comment: This sequence change replaces leucine, which is neutral and non-polar, with phenylalanine, which is neutral and non-polar, at codon 607 of the DNA2 protein (p.Leu607Phe). This variant is not present in population databases (gnomAD no frequency). This variant has not been reported in the literature in individuals affected with DNA2-related conditions. Experimental studies and prediction algorithms are not available or were not evaluated, and the functional significance of this variant is currently unknown. In summary, the available evidence is currently insufficient to determine the role of this variant in disease. Therefore, it has been classified as a Variant of Uncertain Significance.

NM_001080449.3(DNA2):c.1819C>T (p.Leu607Phe)

Gene: DNA2 (DNA replication helicase/nuclease 2; minus strand). Cytogenetic location: 10q21.3.
Variant type: single nucleotide variant.
Coding change: c.1819C>T on transcript NM_001080449.3 (MANE Select); coding-DNA position 1819, C replaced by T.
Protein change: p.Leu607Phe; replaces leucine 607 with phenylalanine.
Molecular consequence: missense variant. On other transcripts: non-coding transcript variant (1).
Genome position (GRCh38, 1-based): chr10:68,432,260, G>A on the plus strand (C>T on the coding strand, the complement: DNA2 is on the minus strand). VCF-style: chr10-68432260-G-A. GRCh37 (hg19) VCF-style: chr10-70192017-G-A.
Other names: short protein forms L607F.
Identifiers: ClinVar variation 2820470 (VCV002820470.3), dbSNP rs759631285, ClinGen allele CA376857051.